The following is an entry in ClinVar:

NM_005228.5(EGFR):c.735G>C (p.Glu245Asp)

Gene: EGFR (epidermal growth factor receptor; plus strand). Cytogenetic location: 7p11.2.
Variant type: single nucleotide variant.
Coding change: c.735G>C on transcript NM_005228.5 (MANE Select); coding-DNA position 735, G replaced by C.
Protein change: p.Glu245Asp; replaces glutamic acid 245 with aspartic acid.
Molecular consequence: missense variant. On other transcripts: intron variant (1).
Genome position (GRCh38, 1-based): chr7:55,152,652, G>C. VCF-style: chr7-55152652-G-C. GRCh37 (hg19) VCF-style: chr7-55220345-G-C.
Other names: c.600G>C, p.Glu200Asp (NM_001346897.2, NM_001346899.2); c.735G>C, p.Glu245Asp (NM_001346898.2, NM_201282.2, NM_201283.2 and 1 more transcripts); c.576G>C, p.Glu192Asp (NM_001346900.2); c.89-3178G>C (NM_001346941.2); short protein forms E192D, E245D, E200D.
Identifiers: ClinVar variation 963373 (VCV000963373.10), dbSNP rs1785217553, ClinGen allele CA367577545.

ClinVar aggregate classification (germline): Uncertain significance. Review status: criteria provided, multiple submitters, no conflicts (2 of 4 stars). 2 submissions from 2 submitters: Uncertain significance (2). Last evaluated 2025-03-27.

Conditions:
Hereditary cancer-predisposing syndrome. Also called: Tumor predisposition; Hereditary neoplastic syndrome; Hereditary Cancer Syndrome; Neoplastic Syndromes, Hereditary. Identifiers: Orphanet 140162, MedGen C0027672, MeSH D009386, MONDO:0015356.
EGFR-related lung cancer (EGFR). Identifiers: MedGen CN130014.

gnomAD v4.1: 2 of 1,613,530 alleles (0.00012%); highest among the groups gnomAD compares: Non-Finnish European, 0.00017%; no homozygotes.

Submissions (2):

Ambry Genetics
Classification: Uncertain significance for Hereditary cancer-predisposing syndrome. Last evaluated: 2025-03-27. Review status: criteria provided, single submitter. Criteria: Ambry Variant Classification Scheme 2023. Collection method: clinical testing. Allele origin: germline.
Comment: The p.E245D variant (also known as c.735G>C), located in coding exon 6 of the EGFR gene, results from a G to C substitution at nucleotide position 735. The glutamic acid at codon 245 is replaced by aspartic acid, an amino acid with highly similar properties. This amino acid position is conserved. In addition, this alteration is predicted to be tolerated by in silico analysis. Based on the available evidence, the clinical significance of this variant remains unclear.

Labcorp Genetics (formerly Invitae), Labcorp
Classification: Uncertain significance for EGFR-related lung cancer. Last evaluated: 2019-10-02. Review status: criteria provided, single submitter. Criteria: Invitae Variant Classification Sherloc (09022015). Collection method: clinical testing. Allele origin: germline.
Comment: In summary, the available evidence is currently insufficient to determine the role of this variant in disease. Therefore, it has been classified as a Variant of Uncertain Significance. Algorithms developed to predict the effect of missense changes on protein structure and function are either unavailable or do not agree on the potential impact of this missense change (SIFT: "Tolerated"; PolyPhen-2: "Probably Damaging"; Align-GVGD: "Class C0"). This sequence change replaces glutamic acid with aspartic acid at codon 245 of the EGFR protein (p.Glu245Asp). The glutamic acid residue is moderately conserved and there is a small physicochemical difference between glutamic acid and aspartic acid. This variant is not present in population databases (ExAC no frequency). This variant has not been reported in the literature in individuals with EGFR-related conditions.